The following is an entry in ClinVar:

NM_024577.4(SH3TC2):c.3028C>T (p.Leu1010Phe)

Gene: SH3TC2 (SH3 domain and tetratricopeptide repeats 2; minus strand). Cytogenetic location: 5q32.
Variant type: single nucleotide variant.
Coding change: c.3028C>T on transcript NM_024577.4 (MANE Select); coding-DNA position 3028, C replaced by T.
Protein change: p.Leu1010Phe; replaces leucine 1010 with phenylalanine.
Molecular consequence: missense variant.
Genome position (GRCh38, 1-based): chr5:149,026,597, G>A on the plus strand (C>T on the coding strand, the complement: SH3TC2 is on the minus strand). VCF-style: chr5-149026597-G-A. GRCh37 (hg19) VCF-style: chr5-148406160-G-A.
Other names: short protein forms L1010F.
Identifiers: ClinVar variation 1501344 (VCV001501344.8), dbSNP rs1243271992, ClinGen allele CA361665095.

ClinVar aggregate classification (germline): Uncertain significance (1 of 4 stars; one submission).

Conditions:
Charcot-Marie-Tooth disease type 4. Also called: Charcot-Marie-Tooth disease, type IV; Charcot-Marie-Tooth, Type 4. Identifiers: Orphanet 64749, MedGen C4082197, MONDO:0018995.

Submission:

Labcorp Genetics (formerly Invitae), Labcorp
Classification: Uncertain significance for Charcot-Marie-Tooth disease type 4. Last evaluated: 2020-12-06. Review status: criteria provided, single submitter. Criteria: Invitae Variant Classification Sherloc (09022015). Collection method: clinical testing. Allele origin: germline.
Comment: In summary, the available evidence is currently insufficient to determine the role of this variant in disease. Therefore, it has been classified as a Variant of Uncertain Significance. Advanced modeling of protein sequence and biophysical properties (such as structural, functional, and spatial information, amino acid conservation, physicochemical variation, residue mobility, and thermodynamic stability) performed at Invitae indicates that this missense variant is not expected to disrupt SH3TC2 protein function. This variant has not been reported in the literature in individuals with SH3TC2-related conditions. This variant is not present in population databases (ExAC no frequency). This sequence change replaces leucine with phenylalanine at codon 1010 of the SH3TC2 protein (p.Leu1010Phe). The leucine residue is highly conserved and there is a small physicochemical difference between leucine and phenylalanine.